The following is an entry in ClinVar:

NM_017763.6(RNF43):c.919C>T (p.Arg307Trp)

Gene: RNF43 (ring finger protein 43; minus strand). Cytogenetic location: 17q22.
Variant type: single nucleotide variant.
Coding change: c.919C>T on transcript NM_017763.6 (MANE Select); coding-DNA position 919, C replaced by T.
Protein change: p.Arg307Trp; replaces arginine 307 with tryptophan.
Molecular consequence: missense variant.
Genome position (GRCh38, 1-based): chr17:58,360,182, G>A on the plus strand (C>T on the coding strand, the complement: RNF43 is on the minus strand). VCF-style: chr17-58360182-G-A. GRCh37 (hg19) VCF-style: chr17-56437543-G-A.
Other names: c.919C>T, p.Arg307Trp (NM_001305544.3, NM_001438820.1, NM_001438821.1 and 1 more transcripts); c.538C>T, p.Arg180Trp (NM_001305545.2, NM_001437987.1); short protein forms R180W, R307W.
Identifiers: ClinVar variation 4155756 (VCV004155756.1).

ClinVar aggregate classification (germline): Uncertain significance (1 of 4 stars; one submission).

Submission:

Ambry Genetics
Classification: Uncertain significance. Last evaluated: 2025-08-08. Review status: criteria provided, single submitter. Criteria: Ambry Variant Classification Scheme 2023. Collection method: clinical testing. Allele origin: germline.
Comment: The p.R307W variant (also known as c.919C>T), located in coding exon 7 of the RNF43 gene, results from a C to T substitution at nucleotide position 919. The arginine at codon 307 is replaced by tryptophan, an amino acid with dissimilar properties. This amino acid position is not well conserved in available vertebrate species. In addition, the in silico prediction for this alteration is inconclusive. The evidence for this gene-disease relationship is limited; therefore, the clinical significance of this alteration is unclear.